The following is an entry in ClinVar:

ClinVar aggregate classification (germline): Uncertain significance (1 of 4 stars; one submission).

Conditions:
Pheochromocytoma/paraganglioma syndrome 5. Also called: Paragangliomas 5; SDHA-Related Hereditary Paraganglioma-Pheochromocytoma Syndrome. Identifiers: Orphanet 29072, MedGen C3279992, MONDO:0013602, OMIM 614165.
Mitochondrial complex II deficiency, nuclear type 1. Also called: SUCCINATE CoQ REDUCTASE DEFICIENCY. Identifiers: Orphanet 3208, MedGen C5700310, MONDO:0100294, OMIM 252011.

Submission:

Labcorp Genetics (formerly Invitae), Labcorp
Classification: Uncertain significance for Pheochromocytoma/paraganglioma syndrome 5; Mitochondrial complex II deficiency, nuclear type 1. Last evaluated: 2024-07-30. Review status: criteria provided, single submitter. Criteria: Invitae Variant Classification Sherloc (09022015). Collection method: clinical testing. Allele origin: germline.
Comment: This sequence change falls in intron 1 of the SDHA gene. It does not directly change the encoded amino acid sequence of the SDHA protein. It affects a nucleotide within the consensus splice site. This variant is not present in population databases (gnomAD no frequency). This variant has not been reported in the literature in individuals affected with SDHA-related conditions. ClinVar contains an entry for this variant (Variation ID: 2050060). Variants that disrupt the consensus splice site are a relatively common cause of aberrant splicing (PMID: 17576681, 9536098). Algorithms developed to predict the effect of sequence changes on RNA splicing suggest that this variant may disrupt the consensus splice site. In summary, the available evidence is currently insufficient to determine the role of this variant in disease. Therefore, it has been classified as a Variant of Uncertain Significance.

Literature cited by the submitters: PubMed 17576681; PubMed 9536098.

NM_004168.4(SDHA):c.63+4A>G

Gene: SDHA (succinate dehydrogenase complex flavoprotein subunit A; plus strand). Cytogenetic location: 5p15.33.
Variant type: single nucleotide variant.
Coding change: c.63+4A>G on transcript NM_004168.4 (MANE Select); 4 bases into the intron after coding-DNA position 63, A replaced by G.
Molecular consequence: intron variant.
Genome position (GRCh38, 1-based): chr5:218,422, A>G. VCF-style: chr5-218422-A-G. GRCh37 (hg19) VCF-style: chr5-218537-A-G.
Other names: c.63+4A>G (NM_001330758.2, NM_001294332.2).
Identifiers: ClinVar variation 2050060 (VCV002050060.4), dbSNP rs2126522893, ClinGen allele CA2580073070.
Genomic context (GRCh38, chr5:218,422, plus strand): 5'-GGGGTCCGGGGCCTGTCGCGGCTGCTGAGCGCTCGGCGCCTGGCGCTGGCCAAGGCGGTG[A>G]GTCCGTGCCGCGGACCGGGGCGGGGCAGGCGGGGGCCGAGGCGGCGGTAGGAGCGGGACG-3'